The following is an entry in ClinVar:

ClinVar aggregate classification (germline): Uncertain significance. Review status: criteria provided, multiple submitters, no conflicts (2 of 4 stars). 5 submissions from 5 submitters: Uncertain significance (4). 1 of the submissions does not count toward it. Last evaluated 2025-04-10.

Conditions:
Hereditary cancer-predisposing syndrome. Also called: Neoplastic Syndromes, Hereditary; Hereditary Cancer Syndrome; Tumor predisposition; Hereditary neoplastic syndrome. Identifiers: Orphanet 140162, MedGen C0027672, MeSH D009386, MONDO:0015356.
Ataxia-telangiectasia syndrome (AT). Also called: LOUIS-BAR SYNDROME; Cerebello-oculocutaneous telangiectasia; Immunodeficiency with ataxia telangiectasia; Ataxia-telangiectasia, complementation group D; AT, COMPLEMENTATION GROUP C; Ataxia-telangiectasia, complementation group E. Identifiers: Orphanet 100, MedGen C0004135, MONDO:0008840, OMIM 208900.

Allele frequency attached by ClinVar (database versions not stated): gnomAD exomes 0.00004 and 0.00001; TOPMed below 0.00001; gnomAD 0.00001; ExAC 0.00006.
gnomAD v4.1: 23 of 1,613,294 alleles (0.0014%); no homozygotes.

Submissions (5):

Ambry Genetics
Classification: Uncertain significance for Hereditary cancer-predisposing syndrome. Last evaluated: 2025-04-10. Review status: criteria provided, single submitter. Criteria: Ambry Variant Classification Scheme 2023. Collection method: clinical testing. Allele origin: germline.
Comment: The p.F2516C variant (also known as c.7547T>G), located in coding exon 50 of the ATM gene, results from a T to G substitution at nucleotide position 7547. The phenylalanine at codon 2516 is replaced by cysteine, an amino acid with highly dissimilar properties. This amino acid position is well conserved in available vertebrate species. In addition, this alteration is predicted to be deleterious by in silico analysis. Since supporting evidence is limited at this time, the clinical significance of this alteration remains unclear.

Labcorp Genetics (formerly Invitae), Labcorp
Classification: Uncertain significance for Ataxia-telangiectasia syndrome. Last evaluated: 2024-09-08. Review status: criteria provided, single submitter. Criteria: Invitae Variant Classification Sherloc (09022015). Collection method: clinical testing. Allele origin: germline.
Comment: This sequence change replaces phenylalanine, which is neutral and non-polar, with cysteine, which is neutral and slightly polar, at codon 2516 of the ATM protein (p.Phe2516Cys). This variant is present in population databases (rs774312539, gnomAD 0.04%). This variant has not been reported in the literature in individuals affected with ATM-related conditions. ClinVar contains an entry for this variant (Variation ID: 479079). An algorithm developed to predict the effect of missense changes on protein structure and function (PolyPhen-2) suggests that this variant is likely to be disruptive. In summary, the available evidence is currently insufficient to determine the role of this variant in disease. Therefore, it has been classified as a Variant of Uncertain Significance.

Blueprint Genetics
Classification: Uncertain significance. Last evaluated: 2024-02-08. Review status: criteria provided, single submitter. Criteria: ACMG Guidelines, 2015. Collection method: clinical testing. Allele origin: germline.

Color Diagnostics, LLC DBA Color Health
Classification: Uncertain significance for Hereditary cancer-predisposing syndrome. Last evaluated: 2020-08-04. Review status: criteria provided, single submitter. Criteria: ACMG Guidelines, 2015. Collection method: clinical testing. Allele origin: germline.
Comment: This missense variant replaces phenylalanine with cysteine at codon 2516 of the ATM protein. Computational prediction suggests that this variant may have deleterious impact on protein structure and function (internally defined REVEL score threshold >= 0.7, PMID: 27666373). To our knowledge, functional studies have not been reported for this variant. This variant has not been reported in individuals affected with hereditary cancer in the literature. This variant has been identified in 9/251152 chromosomes in the general population by the Genome Aggregation Database (gnomAD). The available evidence is insufficient to determine the role of this variant in disease conclusively. Therefore, this variant is classified as a Variant of Uncertain Significance.

Natera, Inc.
Classification: Uncertain significance for Ataxia-telangiectasia. Last evaluated: 2020-02-10. Review status: no assertion criteria provided. Collection method: clinical testing. Allele origin: germline. Not counted in ClinVar's aggregate classification.

NM_000051.4(ATM):c.7547T>G (p.Phe2516Cys)

Genes: ATM (ATM serine/threonine kinase; plus strand), C11orf65 (chromosome 11 open reading frame 65; minus strand). Cytogenetic location: 11q22.3.
Variant type: single nucleotide variant.
Coding change: c.7547T>G on transcript NM_000051.4 (MANE Select); coding-DNA position 7547, T replaced by G.
Protein change: p.Phe2516Cys; replaces phenylalanine 2516 with cysteine.
Molecular consequence: missense variant. On other transcripts: non-coding transcript variant (1), intron variant (2).
Genome position (GRCh38, 1-based): chr11:108,331,475, T>G. VCF-style: chr11-108331475-T-G. GRCh37 (hg19) VCF-style: chr11-108202202-T-G.
Other names: c.7547T>G, p.Phe2516Cys (NM_001351834.2); c.641-22404A>C (NM_001330368.2); c.*38+3745A>C (NM_001351110.2); short protein forms F2516C.
Identifiers: ClinVar variation 479079 (VCV000479079.29), dbSNP rs774312539, ClinGen allele CA6266139.